The following is an entry in ClinVar:

NM_000059.4(BRCA2):c.6960del (p.Leu2320fs)

Gene: BRCA2 (BRCA2 DNA repair associated; plus strand). Cytogenetic location: 13q13.1.
Variant type: Deletion.
Coding change: c.6960del on transcript NM_000059.4 (MANE Select); coding-DNA position 6960, one base deleted (G; older notation c.6960delG).
Protein change: p.Leu2320fs; shifts the reading frame from leucine 2320.
Molecular consequence: frameshift variant.
Genome position (GRCh38, 1-based): chr13:32,346,849, G deleted. VCF-style (leftmost placement, unchanged base first): chr13-32346848-TG-T. GRCh37 (hg19) VCF-style: chr13-32920985-TG-T.
Other names: 7188delG-ter2327; short protein forms L2320fs.
Identifiers: ClinVar variation 266976 (VCV000266976.5), dbSNP rs886040678, ClinGen allele CA10589403.

ClinVar aggregate classification (germline): Pathogenic. Review status: reviewed by expert panel (3 of 4 stars). 2 submissions from 2 submitters: Pathogenic (1). 1 of the submissions does not count toward it. Last evaluated 2016-10-18.

Conditions:
Breast-ovarian cancer, familial, susceptibility to, 2 (BROVCA2). Also called: BRCA2 Hereditary Breast and Ovarian Cancer. Identifiers: Orphanet 145, MedGen C2675520, MONDO:0012933, OMIM 612555. Disease mechanism: loss of function.

Submissions (2):

Evidence-based Network for the Interpretation of Germline Mutant Alleles (ENIGMA)
Classification: Pathogenic for Breast-ovarian cancer, familial, susceptibility to, 2. Last evaluated: 2016-10-18. Review status: reviewed by expert panel. Criteria: ENIGMA BRCA1/2 Classification Criteria (2015). Collection method: curation. Allele origin: germline.
Comment: Variant allele predicted to encode a truncated non-functional protein.

Consortium of Investigators of Modifiers of BRCA1/2 (CIMBA), c/o University of Cambridge
Classification: Pathogenic for Breast-ovarian cancer, familial, susceptibility to, 2. Last evaluated: 2015-10-02. Review status: criteria provided, single submitter. Criteria: CIMBA Mutation Classification guidelines May 2016. Collection method: clinical testing. Allele origin: germline. Not counted in ClinVar's aggregate classification.